The following is an entry in ClinVar:

ClinVar aggregate classification (germline): Pathogenic/Likely pathogenic. Review status: criteria provided, multiple submitters, no conflicts (2 of 4 stars). 7 submissions from 7 submitters: Pathogenic (2); Likely pathogenic (5). Last evaluated 2026-01-19.

Conditions:
Cardiovascular phenotype. Identifiers: MedGen CN230736.
Dilated cardiomyopathy 1G (CMD1G). Identifiers: Orphanet 154, MedGen C1858763, MONDO:0011400, OMIM 604145.
Autosomal recessive limb-girdle muscular dystrophy type 2J (LGMDR10). Also called: Limb-girdle muscular dystrophy, type 2J; MUSCULAR DYSTROPHY, LIMB-GIRDLE, AUTOSOMAL RECESSIVE 10. Identifiers: Orphanet 140922, MedGen C1837342, MONDO:0012127, OMIM 608807.
Primary dilated cardiomyopathy (DCM). Also called: Dilated Cardiomyopathy. Identifiers: Orphanet 217604, MedGen C0007193, MeSH D002311, MONDO:0005021, HP:0001644. Inheritance: Various modes of inheritance.
Primary familial dilated cardiomyopathy (FDC). Also called: Familial dilated cardiomyopathy; Hypokinetic dilated cardiomyopathy, familial. Identifiers: Orphanet 217607, MedGen C0340427, MONDO:0016333.

Allele frequency attached by ClinVar (database versions not stated): gnomAD exomes below 0.00001.
gnomAD v4.1: 1 of 1,613,664 alleles (0.000062%); highest among the groups gnomAD compares: Non-Finnish European, 0.000085%; no homozygotes.

Submissions (7):

Labcorp Genetics (formerly Invitae), Labcorp
Classification: Pathogenic for Dilated cardiomyopathy 1G; Autosomal recessive limb-girdle muscular dystrophy type 2J. Last evaluated: 2026-01-19. Review status: criteria provided, single submitter. Criteria: Invitae Variant Classification Sherloc (09022015). Collection method: clinical testing. Allele origin: germline.
Comment: This sequence change creates a premature translational stop signal (p.Gln27346*) in the TTN gene. While this is not anticipated to result in nonsense mediated decay, it is expected to create a truncated TTN protein. This variant is not present in population databases (gnomAD no frequency). This premature translational stop signal has been observed in individuals with dilated cardiomyopathy and/or peripartum cardiomyopathy (PMID: 33874732; internal data). ClinVar contains an entry for this variant (Variation ID: 282174). This variant is located in the A band of TTN (PMID: 25589632). Truncating variants in this region are significantly overrepresented in patients affected with dilated cardiomyopathy (PMID: 25589632). Truncating variants in this region have also been reported in individuals affected with autosomal recessive centronuclear myopathy (PMID: 23975875). For these reasons, this variant has been classified as Pathogenic.

Women's Health and Genetics/Laboratory Corporation of America, LabCorp
Classification: Likely pathogenic for Primary familial dilated cardiomyopathy. Last evaluated: 2025-11-10. Review status: criteria provided, single submitter. Criteria: LabCorp Variant Classification Summary - May 2015. Collection method: clinical testing. Allele origin: germline.
Comment: Variant summary: TTN NM_133378: c.74332C>T (p.Gln24778X), also known as NM_001267550: c.82036C>T (p.Gln27346X), results in a premature termination codon, predicted to cause a truncation of the encoded protein or absence of the protein due to nonsense mediated decay, which are commonly known mechanisms for disease. Loss of function variants in all TTN bands are strongly associated with a spectrum of autosomal recessive titinopathies when exon expression (proportion spliced in, PSI, 1=complete expression) in skeletal muscle is >0.1 (PMID: 36977548, 39198997, 29598826, 32778822, 29691892, 33449170, 36977548, internal data). In contrast, loss of function variants in all TTN bands are only strongly associated with autosomal dominant TTN-related cardiomyopathies if located in exons constitutively expressed (PSI >0.9) in cardiac muscle, excluding extreme C-terminal exons 359-363 (PMID: 25589632, 31216868, 32964742, 34662387, 27869827, Shetty et al., Nat Cardiovasc Res 2024,, internal data). This variant has a maximum skeletal muscle PSI of 0.968 and a maximum cardiac muscle PSI of 1.000. The variant was absent in 248426 control chromosomes. c.74332C>T has been observed in individuals affected with dilated cardiomyopathy and/or peripartum cardiomyopathy (Goli_2021, McAfee_2021, Kim_2023, internal data). These data indicate that the variant is likely associated with disease. To our knowledge, no experimental evidence demonstrating an impact on protein function has been reported. The following publications have been ascertained in the context of this evaluation (PMID: 33874732, 37767697, 34731015). ClinVar contains an entry for this variant (Variation ID: 282174). Based on the evidence outlined above, the variant was classified as likely pathogenic for both autosomal dominant and autosomal recessive TTN-related conditions.

Ambry Genetics
Classification: Likely pathogenic for Cardiovascular phenotype. Last evaluated: 2025-09-12. Review status: criteria provided, single submitter. Criteria: Ambry Variant Classification Scheme 2023. Collection method: clinical testing. Allele origin: germline.
Comment: The c.54841C>T (p.Q18281*) alteration, located in exon 154 (coding exon 153) of the TTN gene, consists of a C to T substitution at nucleotide position 54841. This changes the amino acid from a glutamine (Q) to a stop codon at amino acid position 18281. This variant is expected to result in loss of function by premature protein truncation or nonsense-mediated mRNA decay. This variant was not reported in population-based cohorts in the Genome Aggregation Database (gnomAD). This variant was reported in individual(s) with features consistent with peripartum cardiomyopathy and dilated cardiomyopathy (DCM) (Goli, 2021; McAfee, 2021). This exon is located in the A-band region of the N2-B isoform of the titin protein and is constitutively expressed in TTN transcripts (percent spliced in or PSI 100%). While truncating variants in TTN are present in 1-3% of the general population, truncating variants in the A-band are the most common cause of dilated cardiomyopathy (Roberts, 2015; Herman, 2012). TTN truncating variants encoded in constitutive exons (PSI >90%) have been found to be significantly associated with DCM regardless of their position in titin (Massier, 2025; Akhtar, 2020; Schafer, 2017). Based on the available evidence, this alteration is classified as likely pathogenic.

Mayo Clinic Laboratories, Mayo Clinic
Classification: Likely pathogenic. Last evaluated: 2025-06-26. Review status: criteria provided, single submitter. Criteria: ACMG Guidelines, 2015. Collection method: clinical testing. Allele origin: germline. Observed: 1 variant allele.
Comment: PM2_supporting, PS4_supporting, PVS1

GeneDx
Classification: Pathogenic. Last evaluated: 2025-04-21. Review status: criteria provided, single submitter. Criteria: GeneDx Variant Classification Process June 2021. Collection method: clinical testing. Allele origin: germline. Affected: yes.
Comment: Identified in a patient with DCM and a patient with peripartum cardiomyopathy in published literature (PMID: 33874732, 34731015); Not observed at significant frequency in large population cohorts (gnomAD); Nonsense variant predicted to result in protein truncation or nonsense mediated decay in a gene for which loss of function is a known mechanism of disease; Located in the A-band, a region of TTN for which truncating variants are significantly associated with autosomal dominant cardiomyopathy and also with autosomal recessive skeletal myopathies (PMID: 22335739, 32778822); This variant is associated with the following publications: (PMID: 34731015, 37767697, 33874732, 22335739, 32778822)

Laboratory for Molecular Medicine, Mass General Brigham Personalized Medicine
Classification: Likely pathogenic for Primary dilated cardiomyopathy. Last evaluated: 2023-09-19. Review status: criteria provided, single submitter. Criteria: ACMG Guidelines, 2015. Collection method: clinical testing. Allele origin: germline. Inheritance: Autosomal dominant inheritance.
Comment: The p.Gln27346X variant in TTN has been reported in 1 individual with DCM who underwent a heart transplant and in 1 individual with peripartum cardiomyopathy (Goli 2021 PMID: 33874732, McAfee 2021 PMID: 34731015). This variant has also been reported by other clinical laboratories in ClinVar (Variation ID 282174) and was absent from large population studies (v.3.1.2). This nonsense variant leads to a premature termination codon at position 27346, which is predicted to lead to a truncated or absent protein. Nonsense and other truncating variants in TTN encoded in constitutive exons (PSI >90%) have been found to be significantly associated with DCM regardless of their position in titin (Roberts 2015 PMID:25589632, Schafer 2017 PMID:27869827). The p.Gln27346X variant is located in such a highly expressed exon in the A-band. In summary, although additional studies are required to fully establish its clinical significance, this variant meets criteria to be classified as likely pathogenic for autosomal dominant dilated cardiomyopathy. ACMG/AMP Criteria applied: PVS1, PM2_Supporting.

Eurofins Ntd Llc (ga)
Classification: Likely pathogenic. Last evaluated: 2015-07-30. Review status: criteria provided, single submitter. Criteria: EGL Classification Definitions 2015. Collection method: clinical testing. Allele origin: germline. Observed: 1 variant allele, 1 heterozygote.

Literature cited by the submitters: PubMed 33874732 (cited by 5 submitters); PubMed 25589632 (cited by 3 submitters); PubMed 23975875 (cited by Labcorp Genetics (formerly Invitae), Labcorp); PubMed 34731015 (cited by 4 submitters); PubMed 37767697 (cited by Women's Health and Genetics/Laboratory Corporation of America, LabCorp and Mayo Clinic Laboratories, Mayo Clinic); PubMed 22335739 (cited by Ambry Genetics and Laboratory for Molecular Medicine, Mass General Brigham Personalized Medicine); PubMed 27869827 (cited by Ambry Genetics); PubMed 32964742 (cited by Ambry Genetics); PubMed 39844436 (cited by Ambry Genetics); PubMed 24503780 (cited by Laboratory for Molecular Medicine, Mass General Brigham Personalized Medicine); PubMed 29435569 (cited by Laboratory for Molecular Medicine, Mass General Brigham Personalized Medicine).

NM_001267550.2(TTN):c.82036C>T (p.Gln27346Ter)

Genes: TTN-AS1 (TTN antisense RNA 1; plus strand), TTN (titin; minus strand). Cytogenetic location: 2q31.2.
Variant type: single nucleotide variant.
Coding change: c.82036C>T on transcript NM_001267550.2 (MANE Select); coding-DNA position 82036, C replaced by T.
Protein change: p.Gln27346Ter; replaces glutamine 27346 with a stop codon.
Molecular consequence: nonsense.
Genome position (GRCh38, 1-based): chr2:178,564,096, G>A on the plus strand (C>T on the coding strand, the complement: TTN is on the minus strand). VCF-style: chr2-178564096-G-A. GRCh37 (hg19) VCF-style: chr2-179428823-G-A.
Other names: p.Gln25705*; c.77113C>T, p.Gln25705Ter (NM_001256850.1); c.54841C>T, p.Gln18281Ter (NM_003319.4); c.74332C>T, p.Gln24778Ter (NM_133378.4); c.55216C>T, p.Gln18406Ter (NM_133432.3); c.55417C>T, p.Gln18473Ter (NM_133437.4); c.82036C>T (NM_001267550.1); short protein forms Q24778*, Q25705*, Q27346*, Q18281*, Q18473*, Q18406*.
Identifiers: ClinVar variation 282174 (VCV000282174.24), dbSNP rs886042331, ClinGen allele CA10604092.
Genomic context (GRCh38, chr2:178,564,096, plus strand): 5'-CCTTTACAGTGATGGGTATAGACTTTGTACCACCAACATTGCTGAGTTTCAGAATATATT[G>A]TCCTCCATCAGTCCGTATACAGTCTTTGACAACAAGAGTTGTTTTCTGAATAGTAGATTT-3'